The following is an entry in ClinVar:

ClinVar aggregate classification (germline): Pathogenic. Review status: criteria provided, multiple submitters, no conflicts (2 of 4 stars). 2 submissions from 2 submitters: Pathogenic (2). Last evaluated 2023-11-22.

gnomAD v4.1: 2 of 1,614,112 alleles (0.00012%); highest among the groups gnomAD compares: South Asian, 0.0022%; no homozygotes.

Submissions (2):

Labcorp Genetics (formerly Invitae), Labcorp
Classification: Pathogenic. Last evaluated: 2023-11-22. Review status: criteria provided, single submitter. Criteria: Invitae Variant Classification Sherloc (09022015). Collection method: clinical testing. Allele origin: germline.
Comment: This sequence change creates a premature translational stop signal (p.Gln15*) in the AAAS gene. It is expected to result in an absent or disrupted protein product. Loss-of-function variants in AAAS are known to be pathogenic (PMID: 11159947). This variant is present in population databases (no rsID available, gnomAD 0.003%). This variant has not been reported in the literature in individuals affected with AAAS-related conditions. Algorithms developed to predict the effect of sequence changes on RNA splicing suggest that this variant may create or strengthen a splice site. For these reasons, this variant has been classified as Pathogenic.

Mayo Clinic Laboratories, Mayo Clinic
Classification: Pathogenic. Last evaluated: 2023-06-16. Review status: criteria provided, single submitter. Criteria: ACMG Guidelines, 2015. Collection method: clinical testing. Allele origin: germline. Observed: 1 variant allele.
Comment: PM2_moderate, PM3, PVS1

Literature cited by the submitters: PubMed 11159947 (cited by Labcorp Genetics (formerly Invitae), Labcorp); PubMed 33351314 (cited by Mayo Clinic Laboratories, Mayo Clinic); PubMed 33369814 (cited by Mayo Clinic Laboratories, Mayo Clinic).

NM_015665.6(AAAS):c.43C>T (p.Gln15Ter)

Gene: AAAS (aladin WD repeat nucleoporin; minus strand). Cytogenetic location: 12q13.13.
Variant type: single nucleotide variant.
Coding change: c.43C>T on transcript NM_015665.6 (MANE Select); coding-DNA position 43, C replaced by T.
Protein change: p.Gln15Ter; replaces glutamine 15 with a stop codon.
Molecular consequence: nonsense.
Genome position (GRCh38, 1-based): chr12:53,321,423, G>A on the plus strand (C>T on the coding strand, the complement: AAAS is on the minus strand). VCF-style: chr12-53321423-G-A. GRCh37 (hg19) VCF-style: chr12-53715207-G-A.
Other names: p.Gln15*; c.43C>T, p.Gln15Ter (NM_001173466.2); short protein forms Q15*.
Identifiers: ClinVar variation 2735896 (VCV002735896.4), dbSNP rs121918549, ClinGen allele CA385047551.